The following is an entry in ClinVar:

NM_000038.6(APC):c.5762G>A (p.Gly1921Asp)

Gene: APC (APC regulator of Wnt signaling pathway; plus strand). Cytogenetic location: 5q22.2.
Variant type: single nucleotide variant.
Coding change: c.5762G>A on transcript NM_000038.6 (MANE Select); coding-DNA position 5762, G replaced by A.
Protein change: p.Gly1921Asp; replaces glycine 1921 with aspartic acid.
Molecular consequence: missense variant.
Genome position (GRCh38, 1-based): chr5:112,841,356, G>A. VCF-style: chr5-112841356-G-A. GRCh37 (hg19) VCF-style: chr5-112177053-G-A.
Other names: c.5762G>A, p.Gly1921Asp (NM_001127510.3, NM_001354895.2, NM_001407450.1); c.5708G>A, p.Gly1903Asp (NM_001127511.3); c.5816G>A, p.Gly1939Asp (NM_001354896.2, NM_001407447.1, NM_001407448.1 and 1 more transcripts); c.5792G>A, p.Gly1931Asp (NM_001354897.2); c.5687G>A, p.Gly1896Asp (NM_001354898.2); c.5678G>A, p.Gly1893Asp (NM_001354899.2); c.5639G>A, p.Gly1880Asp (NM_001354900.2); c.5585G>A, p.Gly1862Asp (NM_001354901.2, NM_001407453.1); and 11 more; short protein forms G1537D, G1638D, G1795D, G1862D, G1880D, G1893D, G1911D, G1914D.
Identifiers: ClinVar variation 1949221 (VCV001949221.5), dbSNP rs786204093, ClinGen allele CA16033939.
Genomic context (GRCh38, chr5:112,841,356, plus strand): 5'-CCTCCAACCAACAATCAGCTAATAAGACACAAGCTATTGCAAAGCAGCCAATAAATCGAG[G>A]TCAGCCTAAACCCATACTTCAGAAACAATCCACTTTTCCCCAGTCATCCAAAGACATACC-3'
Protein context (NP_000029.2, residues 1911-1931): QAIAKQPINR[Gly1921Asp]QPKPILQKQS

ClinVar aggregate classification (germline): Uncertain significance (1 of 4 stars; one submission).

Conditions:
Familial adenomatous polyposis 1 (FAP1). Also called: FAMILIAL ADENOMATOUS POLYPOSIS 1, ATTENUATED; POLYPOSIS, ADENOMATOUS INTESTINAL. Identifiers: MedGen C2713442, MONDO:0021056, OMIM 175100. Disease mechanism: loss of function.

Submission:

Labcorp Genetics (formerly Invitae), Labcorp
Classification: Uncertain significance for Familial adenomatous polyposis 1. Last evaluated: 2022-04-15. Review status: criteria provided, single submitter. Criteria: Invitae Variant Classification Sherloc (09022015). Collection method: clinical testing. Allele origin: germline.
Comment: In summary, the available evidence is currently insufficient to determine the role of this variant in disease. Therefore, it has been classified as a Variant of Uncertain Significance. Algorithms developed to predict the effect of missense changes on protein structure and function (SIFT, PolyPhen-2, Align-GVGD) all suggest that this variant is likely to be tolerated. This variant has not been reported in the literature in individuals affected with APC-related conditions. This variant is not present in population databases (gnomAD no frequency). This sequence change replaces glycine, which is neutral and non-polar, with aspartic acid, which is acidic and polar, at codon 1921 of the APC protein (p.Gly1921Asp).